The following is an entry in ClinVar:

NM_001184.4(ATR):c.5762G>C (p.Gly1921Ala)

Gene: ATR (ATR serine/threonine kinase; minus strand). Cytogenetic location: 3q23.
Variant type: single nucleotide variant.
Coding change: c.5762G>C on transcript NM_001184.4 (MANE Select); coding-DNA position 5762, G replaced by C.
Protein change: p.Gly1921Ala; replaces glycine 1921 with alanine.
Molecular consequence: missense variant.
Genome position (GRCh38, 1-based): chr3:142,496,497, C>G on the plus strand (G>C on the coding strand, the complement: ATR is on the minus strand). VCF-style: chr3-142496497-C-G. GRCh37 (hg19) VCF-style: chr3-142215339-C-G.
Other names: c.5570G>C, p.Gly1857Ala (NM_001354579.2); short protein forms G1921A, G1857A.
Identifiers: ClinVar variation 3462556 (VCV003462556.1).

ClinVar aggregate classification (germline): Uncertain significance (1 of 4 stars; one submission).

Conditions:
Inborn genetic diseases. Identifiers: MedGen C0950123, MeSH D030342.

Submission:

Ambry Genetics
Classification: Uncertain significance for Inborn genetic diseases. Last evaluated: 2024-08-27. Review status: criteria provided, single submitter. Criteria: Ambry Variant Classification Scheme 2023. Collection method: clinical testing. Allele origin: germline.
Comment: The p.G1921A variant (also known as c.5762G>C), located in coding exon 34 of the ATR gene, results from a G to C substitution at nucleotide position 5762. The glycine at codon 1921 is replaced by alanine, an amino acid with similar properties. This amino acid position is conserved. In addition, the in silico prediction for this alteration is inconclusive. Based on the available evidence, the clinical significance of this variant remains unclear.